The following is an entry in ClinVar:

ClinVar aggregate classification (germline): Uncertain significance (1 of 4 stars; one submission).

Allele frequency attached by ClinVar (database versions not stated): gnomAD exomes below 0.00001.
gnomAD v4.1: 2 of 1,614,136 alleles (0.00012%); highest among the groups gnomAD compares: Non-Finnish European, 0.00017%; no homozygotes.

Submission:

Labcorp Genetics (formerly Invitae), Labcorp
Classification: Uncertain significance. Last evaluated: 2026-01-27. Review status: criteria provided, single submitter. Criteria: Invitae Variant Classification Sherloc (09022015). Collection method: clinical testing. Allele origin: germline.
Comment: This sequence change replaces glutamine, which is neutral and polar, with arginine, which is basic and polar, at codon 972 of the ATRN protein (p.Gln972Arg). This variant is not present in population databases (gnomAD no frequency). This variant has not been reported in the literature in individuals affected with ATRN-related conditions. ClinVar contains an entry for this variant (Variation ID: 1974006). An algorithm developed to predict the effect of missense changes on protein structure and function (PolyPhen-2) suggests that this variant is likely to be disruptive. In summary, the available evidence is currently insufficient to determine the role of this variant in disease. Therefore, it has been classified as a Variant of Uncertain Significance.

NM_139321.3(ATRN):c.2915A>G (p.Gln972Arg)

Gene: ATRN (attractin; plus strand). Cytogenetic location: 20p13.
Variant type: single nucleotide variant.
Coding change: c.2915A>G on transcript NM_139321.3 (MANE Select); coding-DNA position 2915, A replaced by G.
Protein change: p.Gln972Arg; replaces glutamine 972 with arginine.
Molecular consequence: missense variant.
Genome position (GRCh38, 1-based): chr20:3,584,048, A>G. VCF-style: chr20-3584048-A-G. GRCh37 (hg19) VCF-style: chr20-3564695-A-G.
Other names: c.2567A>G, p.Gln856Arg (NM_001207047.3); c.2915A>G, p.Gln972Arg (NM_001323332.2, NM_139322.4); short protein forms Q972R, Q856R.
Identifiers: ClinVar variation 1974006 (VCV001974006.5), dbSNP rs1009085769, ClinGen allele CA310959865.